The following is an entry in ClinVar:

NM_001367823.1(ARHGEF18):c.3162G>C (p.Ala1054=)

Gene: ARHGEF18 (Rho/Rac guanine nucleotide exchange factor 18; plus strand). Cytogenetic location: 19p13.2.
Variant type: single nucleotide variant.
Coding change: c.3162G>C on transcript NM_001367823.1 (MANE Select); coding-DNA position 3162, G replaced by C.
Protein change: p.Ala1054=; no amino-acid change (alanine 1054 retained).
Molecular consequence: synonymous variant.
Genome position (GRCh38, 1-based): chr19:7,467,366, G>C. VCF-style: chr19-7467366-G-C. GRCh37 (hg19) VCF-style: chr19-7532252-G-C.
Other names: c.2598G>C (NM_001130955.1); c.2436G>C, p.Ala812= (NM_001130955.2); c.2124G>C, p.Ala708= (NM_001367824.1, NM_015318.4).
Identifiers: ClinVar variation 1168777 (VCV001168777.12), dbSNP rs2303142, ClinGen allele CA9137121.

ClinVar aggregate classification (germline): Benign. Review status: criteria provided, multiple submitters, no conflicts (2 of 4 stars). 3 submissions from 3 submitters: Benign (2). 1 of the submissions does not count toward it. Last evaluated 2026-02-04.

Conditions:
ARHGEF18-related disorder. Also called: ARHGEF18-related condition.

Allele frequency attached by ClinVar (database versions not stated): ExAC 0.22048; 1000 Genomes Project 30x 0.23423; ESP Exome Variant Server 0.19108; gnomAD exomes 0.21210; 1000 Genomes Project 0.22823; TOPMed 0.25700; gnomAD 0.25450 and 0.25017.
gnomAD v4.1: 350,337 of 1,534,734 alleles (23%); highest among the groups gnomAD compares: African/African-American, 34%; 41,166 homozygotes.

Submissions (3):

Labcorp Genetics (formerly Invitae), Labcorp
Classification: Benign. Last evaluated: 2026-02-04. Review status: criteria provided, single submitter. Criteria: Invitae Variant Classification Sherloc (09022015). Collection method: clinical testing. Allele origin: germline.

Breakthrough Genomics
Classification: Benign. Review status: criteria provided, single submitter. Criteria: ACMG Guidelines, 2015. Collection method: not provided. Allele origin: germline. Inheritance: Autosomal recessive inheritance. Affected: yes.

PreventionGenetics, part of Exact Sciences
Classification: Benign for ARHGEF18-related condition. Last evaluated: 2019-10-23. Review status: no assertion criteria provided. Collection method: clinical testing. Allele origin: germline. Not counted in ClinVar's aggregate classification.
Comment: This variant is classified as benign based on ACMG/AMP sequence variant interpretation guidelines (Richards et al. 2015 PMID: 25741868, with internal and published modifications).